The following is an entry in ClinVar:

ClinVar aggregate classification (germline): Uncertain significance (1 of 4 stars; one submission).

Submission:

CeGaT Center for Human Genetics Tuebingen
Classification: Uncertain significance. Last evaluated: 2026-02-01. Review status: criteria provided, single submitter. Criteria: CeGaT Center For Human Genetics Tuebingen Variant Classification Criteria Version 2. Collection method: clinical testing. Allele origin: germline. Affected: yes. Observed: 1 variant allele.
Comment: HCN2: PM4

NM_001194.4(HCN2):c.2551_2571del (p.Thr851_Ala857del)

Gene: HCN2 (hyperpolarization activated cyclic nucleotide gated potassium and sodium channel 2; plus strand). Cytogenetic location: 19p13.3.
Variant type: Deletion.
Coding change: c.2551_2571del on transcript NM_001194.4 (MANE Select); coding-DNA positions 2551 to 2571, 21 bases deleted (ACGCCCGCTGCCCGGGCCGCC).
Protein change: p.Thr851_Ala857del.
Molecular consequence: inframe deletion.
Genome position (GRCh38, 1-based): chr19:616,355-616,375, ACGCCCGCTGCCCGGGCCGCC deleted; deleting any 21 consecutive bases within chr19:616,353-616,375 gives the same sequence; the c. name uses the placement nearest the transcript's 3' end. VCF-style (leftmost placement, unchanged base first): chr19-616352-CCCACGCCCGCTGCCCGGGCCG-C. GRCh37 (hg19) VCF-style: chr19-616352-CCCACGCCCGCTGCCCGGGCCG-C.
Identifiers: ClinVar variation 4821542 (VCV004821542.4).